The following is an entry in ClinVar:

ClinVar aggregate classification (germline): Pathogenic (1 of 4 stars; one submission).

Submission:

Labcorp Genetics (formerly Invitae), Labcorp
Classification: Pathogenic. Last evaluated: 2023-05-24. Review status: criteria provided, single submitter. Criteria: Invitae Variant Classification Sherloc (09022015). Collection method: clinical testing. Allele origin: germline.
Comment: For these reasons, this variant has been classified as Pathogenic. This variant has not been reported in the literature in individuals affected with BRD4-related conditions. This variant is not present in population databases (gnomAD no frequency). This sequence change creates a premature translational stop signal (p.Glu603*) in the BRD4 gene. It is expected to result in an absent or disrupted protein product. Loss-of-function variants in BRD4 are known to be pathogenic (PMID: 11997514, 29379197).

Literature cited by the submitters: PubMed 11997514; PubMed 29379197.

NM_001379291.1(BRD4):c.1807G>T (p.Glu603Ter)

Gene: BRD4 (bromodomain containing 4; minus strand). Cytogenetic location: 19p13.12.
Variant type: single nucleotide variant.
Coding change: c.1807G>T on transcript NM_001379291.1 (MANE Select); coding-DNA position 1807, G replaced by T.
Protein change: p.Glu603Ter; replaces glutamic acid 603 with a stop codon.
Molecular consequence: nonsense.
Genome position (GRCh38, 1-based): chr19:15,255,537, C>A on the plus strand (G>T on the coding strand, the complement: BRD4 is on the minus strand). VCF-style: chr19-15255537-C-A. GRCh37 (hg19) VCF-style: chr19-15366348-C-A.
Other names: c.1807G>T, p.Glu603Ter (NM_001379292.1, NM_014299.3, NM_058243.3 and 1 more transcripts); short protein forms E603*.
Identifiers: ClinVar variation 2715337 (VCV002715337.3), dbSNP rs2512556946, ClinGen allele CA404519975.